The following is an entry in ClinVar:

NM_000104.4(CYP1B1):c.1330C>T (p.Arg444Ter)

Genes: CYP1B1 (cytochrome P450 family 1 subfamily B member 1; minus strand), LOC128772254 (melanoma risk locus-associated MPRA allelic enhancer 2:38298139; plus strand). Cytogenetic location: 2p22.2.
Variant type: single nucleotide variant.
Coding change: c.1330C>T on transcript NM_000104.4 (MANE Select); coding-DNA position 1330, C replaced by T.
Protein change: p.Arg444Ter; replaces arginine 444 with a stop codon.
Molecular consequence: nonsense.
Genome position (GRCh38, 1-based): chr2:38,071,024, G>A on the plus strand (C>T on the coding strand, the complement: CYP1B1 is on the minus strand). VCF-style: chr2-38071024-G-A. GRCh37 (hg19) VCF-style: chr2-38298167-G-A.
Other names: short protein forms R444*.
Identifiers: ClinVar variation 523782 (VCV000523782.10), dbSNP rs377049098, ClinGen allele CA1619811.
Genomic context (GRCh38, chr2:38,071,024, plus strand): 5'-AAAAAATCATCACTCTGCTGGTCAGGTCCTTGTTGATGAGGCCATCCTTGTCCAAGAATC[G>A]AGCTGGATCAAAGTTCTCCGGGTTAGGCCACTTCAGTGGGTCATGATTCACAGACCACTG-3'

ClinVar aggregate classification (germline): Pathogenic. Review status: criteria provided, multiple submitters, no conflicts (2 of 4 stars). 6 submissions from 6 submitters: Pathogenic (6). Last evaluated 2025-08-26.

Conditions:
Congenital glaucoma. Identifiers: MedGen C0020302, MONDO:0020366.
Primary congenital glaucoma. Also called: Primary congenital glaucoma (disease). Identifiers: MedGen C1533041, MONDO:0000365, HP:0008007.
Anterior segment dysgenesis 6 (ASGD6). Also called: Anterior segment dysgenesis 6, multiple subtypes. Identifiers: MedGen C4310623, MONDO:0015016, OMIM 617315.
CYP1B1-related disorder. Also called: CYP1B1-Related Disorders. Identifiers: MedGen CN239260.

Allele frequency attached by ClinVar (database versions not stated): TOPMed 0.00002; gnomAD 0.00003 and 0.00002; ExAC 0.00005; ESP Exome Variant Server 0.00008; 1000 Genomes Project 30x 0.00016; 1000 Genomes Project 0.00020; gnomAD exomes 0.00002.
gnomAD v4.1: 40 of 1,614,058 alleles (0.0025%); highest among the groups gnomAD compares: African/African-American, 0.0053%; no homozygotes.

Submissions (6):

GeneDx
Classification: Pathogenic. Last evaluated: 2025-08-26. Review status: criteria provided, single submitter. Criteria: GeneDx Variant Classification Process June 2021. Collection method: clinical testing. Allele origin: germline. Affected: yes.
Comment: Nonsense variant predicted to result in protein truncation, as the last 100 amino acid(s) are lost, and other loss-of-function variants have been reported downstream in HGMD; This variant is associated with the following publications: (PMID: 27820421, 30089822, 34020567, 14635112, 22128238, 35087999, 24227805, 27268095)

Women's Health and Genetics/Laboratory Corporation of America, LabCorp
Classification: Pathogenic for Primary congenital glaucoma. Last evaluated: 2025-06-03. Review status: criteria provided, single submitter. Criteria: LabCorp Variant Classification Summary - May 2015. Collection method: clinical testing. Allele origin: germline.
Comment: Variant summary: CYP1B1 c.1330C>T (p.Arg444X) results in a premature termination codon, predicted to cause a truncation of the encoded protein or absence of the protein, which are commonly known mechanisms for disease. The variant allele was found at a frequency of 4e-05 in 251452 control chromosomes. This frequency is not significantly higher than estimated for a pathogenic variant in CYP1B1 causing Primary Congenital Glaucoma (4e-05 vs 0.0043), allowing no conclusion about variant significance. c.1330C>T has been observed in multiple individuals affected with Primary Congenital Glaucoma (examples: Colomb_2003, Abu-Amero_2011, Chen_2014). These data indicate that the variant is very likely to be associated with disease. The following publications have been ascertained in the context of this evaluation (PMID: 22128238, 24227805, 14635112). ClinVar contains an entry for this variant (Variation ID: 523782). Based on the evidence outlined above, the variant was classified as pathogenic.

Blueprint Genetics
Classification: Pathogenic for CYP1B1-related disorders. Last evaluated: 2024-05-27. Review status: criteria provided, single submitter. Criteria: ACMG Guidelines, 2015. Collection method: clinical testing. Allele origin: germline. Affected: yes. Observed: 3 variant alleles.

Labcorp Genetics (formerly Invitae), Labcorp
Classification: Pathogenic for Congenital glaucoma. Last evaluated: 2023-08-23. Review status: criteria provided, single submitter. Criteria: Invitae Variant Classification Sherloc (09022015). Collection method: clinical testing. Allele origin: germline.
Comment: This variant disrupts a region of the CYP1B1 protein in which other variant(s) (p.Arg469Trp) have been determined to be pathogenic (PMID: 18852424, 19234632, 27508083). This suggests that this is a clinically significant region of the protein, and that variants that disrupt it are likely to be disease-causing. For these reasons, this variant has been classified as Pathogenic. ClinVar contains an entry for this variant (Variation ID: 523782). This premature translational stop signal has been observed in individual(s) with primary congenital glaucoma (PMID: 14635112, 27820421). This variant is present in population databases (rs377049098, gnomAD 0.01%). This sequence change creates a premature translational stop signal (p.Arg444*) in the CYP1B1 gene. While this is not anticipated to result in nonsense mediated decay, it is expected to disrupt the last 100 amino acid(s) of the CYP1B1 protein.

PreventionGenetics, part of Exact Sciences
Classification: Pathogenic for CYP1B1-related condition. Last evaluated: 2023-06-07. Review status: criteria provided, single submitter. Criteria: ACMG Guidelines, 2015. Collection method: clinical testing. Allele origin: germline.
Comment: The CYP1B1 c.1330C>T variant is predicted to result in premature protein termination (p.Arg444*). This variant has been reported with a second CYP1B1 variant in individuals with primary congenital glaucoma (Colomb et al 2003. PubMed ID: 14635112; Grønskov K et al 2016. PubMed ID: 27820421). This variant is reported in 0.012% of alleles in individuals of African descent in gnomAD. Nonsense variants in CYP1B1 are expected to be pathogenic. This variant is interpreted as pathogenic.

Baylor Genetics
Classification: Pathogenic for Anterior segment dysgenesis 6. Last evaluated: 2023-05-22. Review status: criteria provided, single submitter. Criteria: ACMG Guidelines, 2015. Collection method: clinical testing. Allele origin: unknown.

Literature cited by the submitters: PubMed 24227805 (cited by Women's Health and Genetics/Laboratory Corporation of America, LabCorp); PubMed 14635112 (cited by Women's Health and Genetics/Laboratory Corporation of America, LabCorp and Labcorp Genetics (formerly Invitae), Labcorp); PubMed 22128238 (cited by Women's Health and Genetics/Laboratory Corporation of America, LabCorp); PubMed 18852424 (cited by Labcorp Genetics (formerly Invitae), Labcorp); PubMed 19234632 (cited by Labcorp Genetics (formerly Invitae), Labcorp); PubMed 27508083 (cited by Labcorp Genetics (formerly Invitae), Labcorp); PubMed 27820421 (cited by Labcorp Genetics (formerly Invitae), Labcorp).